The following is an entry in ClinVar:

NM_006231.4(POLE):c.3582+16C>T

Gene: POLE (DNA polymerase epsilon, catalytic subunit; minus strand). Cytogenetic location: 12q24.33.
Variant type: single nucleotide variant.
Coding change: c.3582+16C>T on transcript NM_006231.4 (MANE Select); 16 bases into the intron after coding-DNA position 3582, C replaced by T.
Molecular consequence: intron variant.
Genome position (GRCh38, 1-based): chr12:132,657,120, G>A on the plus strand (C>T on the coding strand, the complement: POLE is on the minus strand). VCF-style: chr12-132657120-G-A. GRCh37 (hg19) VCF-style: chr12-133233706-G-A.
Identifiers: ClinVar variation 385187 (VCV000385187.2), dbSNP rs374051195, ClinGen allele CA6893189.

ClinVar aggregate classification (germline): Likely benign. Review status: criteria provided, multiple submitters, no conflicts (2 of 4 stars). 2 submissions from 2 submitters: Likely benign (2). Last evaluated 2024-01-05.

Allele frequency attached by ClinVar (database versions not stated): gnomAD 0.00001 and 0.00002; gnomAD exomes 0.00002; TOPMed 0.00002; ExAC 0.00003; ESP Exome Variant Server 0.00008; 1000 Genomes Project 30x 0.00016.
gnomAD v4.1: 67 of 1,613,238 alleles (0.0042%); highest among the groups gnomAD compares: African/African-American, 0.013%; no homozygotes.

Submissions (2):

Blueprint Genetics
Classification: Likely benign. Last evaluated: 2024-01-05. Review status: criteria provided, single submitter. Criteria: ACMG Guidelines, 2015. Collection method: clinical testing. Allele origin: germline.

GeneDx
Classification: Likely benign. Last evaluated: 2016-03-31. Review status: criteria provided, single submitter. Criteria: GeneDx Variant Classification (06012015). Collection method: clinical testing. Allele origin: germline. Affected: yes.
Comment: This variant is considered likely benign or benign based on one or more of the following criteria: it is a conservative change, it occurs at a poorly conserved position in the protein, it is predicted to be benign by multiple in silico algorithms, and/or has population frequency not consistent with disease.